The following is an entry in ClinVar:

ClinVar aggregate classification (germline): Uncertain significance (0 of 4 stars; one submission).

Conditions:
PCNT-related disorder. Also called: PCNT-related condition.

Submission:

PreventionGenetics, part of Exact Sciences
Classification: Uncertain significance for PCNT-related condition. Last evaluated: 2024-02-12. Review status: no assertion criteria provided. Collection method: clinical testing. Allele origin: germline.
Comment: The PCNT c.6688C>T variant is predicted to result in the amino acid substitution p.Leu2230Phe. To our knowledge, this variant has not been reported in the literature or in a large population database, indicating this variant is rare. At this time, the clinical significance of this variant is uncertain due to the absence of conclusive functional and genetic evidence.

NM_006031.6(PCNT):c.6688C>T (p.Leu2230Phe)

Gene: PCNT (pericentrin; plus strand). Cytogenetic location: 21q22.3.
Variant type: single nucleotide variant.
Coding change: c.6688C>T on transcript NM_006031.6 (MANE Select); coding-DNA position 6688, C replaced by T.
Protein change: p.Leu2230Phe; replaces leucine 2230 with phenylalanine.
Molecular consequence: missense variant.
Genome position (GRCh38, 1-based): chr21:46,416,606, C>T. VCF-style: chr21-46416606-C-T. GRCh37 (hg19) VCF-style: chr21-47836520-C-T.
Other names: c.6334C>T, p.Leu2112Phe (NM_001315529.2); short protein forms L2112F, L2230F.
Identifiers: ClinVar variation 3349630 (VCV003349630.1).